The following is an entry in ClinVar:

NM_000276.4(OCRL):c.1050del (p.Met352fs)

Gene: OCRL (OCRL inositol polyphosphate-5-phosphatase; plus strand). Cytogenetic location: Xq26.1.
Variant type: Deletion.
Coding change: c.1050del on transcript NM_000276.4 (MANE Select); coding-DNA position 1050, one base deleted (G; older notation c.1050delG).
Protein change: p.Met352fs; shifts the reading frame from methionine 352.
Molecular consequence: frameshift variant.
Genome position (GRCh38, 1-based): chrX:129,562,494, G deleted; the last of 4 consecutive G bases (chrX:129,562,491-129,562,494); deleting any one gives the same sequence. VCF-style (leftmost placement, unchanged base first): chrX-129562490-TG-T. GRCh37 (hg19) VCF-style: chrX-128696467-TG-T.
Other names: c.1053del, p.Met353fs (NM_001318784.2); c.1050del, p.Met352fs (NM_001587.4); short protein forms M352fs, M353fs.
Identifiers: ClinVar variation 2572389 (VCV002572389.1), dbSNP rs2521889385, ClinGen allele CA2580612481.
Genomic context (GRCh38, chrX:129,562,490, plus strand): 5'-GAAAGGATCAGTGTCGATACATTCGTGATATTGCTACAGAAACAGTTGGAACTGGAATCA[TG>T]GGGAAAATGGTGAGTTACTTTGGAAATGAGCTTGATTATTATTCATGTTCATGTAAAGTT-3'

ClinVar aggregate classification (germline): Likely pathogenic (1 of 4 stars; one submission).

Conditions:
Lowe syndrome (OCRL). Also called: LOWE OCULOCEREBRORENAL SYNDROME; PHOSPHATIDYLINOSITOL 4,5-BISPHOSPHATE 5-PHOSPHATASE DEFICIENCY; Oculocerebrorenal Syndrome. Identifiers: Orphanet 534, MedGen C0028860, MONDO:0010645, OMIM 309000.

Submission:

3billion
Classification: Likely pathogenic for Lowe syndrome. Review status: criteria provided, single submitter. Criteria: ACMG Guidelines, 2015. Collection method: clinical testing. Allele origin: unknown. Affected: yes. Observed: 1 hemizygote.
Comment: The variant is not observed in the gnomAD v2.1.1 dataset. The variant is predicted to result in a loss or disruption of normal protein function through nonsense-mediated decay (NMD) or protein truncation. Multiple pathogenic variants are reported downstream of the variant. Therefore, this variant is classified as Likely pathogenic according to the recommendation of ACMG/AMP guideline.